The following is an entry in ClinVar:

NM_004092.4(ECHS1):c.559C>A (p.Leu187Met)

Gene: ECHS1 (enoyl-CoA hydratase, short chain 1; minus strand). Cytogenetic location: 10q26.3.
Variant type: single nucleotide variant.
Coding change: c.559C>A on transcript NM_004092.4 (MANE Select); coding-DNA position 559, C replaced by A.
Protein change: p.Leu187Met; replaces leucine 187 with methionine.
Molecular consequence: missense variant.
Genome position (GRCh38, 1-based): chr10:133,366,949, G>T on the plus strand (C>A on the coding strand, the complement: ECHS1 is on the minus strand). VCF-style: chr10-133366949-G-T. GRCh37 (hg19) VCF-style: chr10-135180453-G-T.
Other names: short protein forms L187M.
Identifiers: ClinVar variation 2015116 (VCV002015116.4), dbSNP rs2493838861, ClinGen allele CA378819618.
Genomic context (GRCh38, chr10:133,366,949, plus strand): 5'-CTGCTTGCTTGGCGTCCTGGGCTGAGATCCGGTCACCAGTGAGGACCATCTCCATCGCCA[G>T]CGACTTCCCAACAGCACGGGTGAGTCTCTGGGTGCCGCCCGCACCTGCAGGGAGGGGCTG-3'
Protein context (NP_004083.3, residues 177-197): QRLTRAVGKS[Leu187Met]AMEMVLTGDR

ClinVar aggregate classification (germline): Uncertain significance (1 of 4 stars; one submission).

Submission:

Labcorp Genetics (formerly Invitae), Labcorp
Classification: Uncertain significance. Last evaluated: 2022-07-11. Review status: criteria provided, single submitter. Criteria: Invitae Variant Classification Sherloc (09022015). Collection method: clinical testing. Allele origin: germline.
Comment: In summary, the available evidence is currently insufficient to determine the role of this variant in disease. Therefore, it has been classified as a Variant of Uncertain Significance. Advanced modeling of protein sequence and biophysical properties (such as structural, functional, and spatial information, amino acid conservation, physicochemical variation, residue mobility, and thermodynamic stability) performed at Invitae indicates that this missense variant is expected to disrupt ECHS1 protein function. This variant has not been reported in the literature in individuals affected with ECHS1-related conditions. This variant is not present in population databases (gnomAD no frequency). This sequence change replaces leucine, which is neutral and non-polar, with methionine, which is neutral and non-polar, at codon 187 of the ECHS1 protein (p.Leu187Met).